The following is an entry in ClinVar:

NM_001374736.1(DST):c.18526G>T (p.Ala6176Ser)

Gene: DST (dystonin; minus strand). Cytogenetic location: 6p12.1.
Variant type: single nucleotide variant.
Coding change: c.18526G>T on transcript NM_001374736.1 (MANE Select); coding-DNA position 18526, G replaced by T.
Protein change: p.Ala6176Ser; replaces alanine 6176 with serine.
Molecular consequence: missense variant.
Genome position (GRCh38, 1-based): chr6:56,515,500, C>A on the plus strand (G>T on the coding strand, the complement: DST is on the minus strand). VCF-style: chr6-56515500-C-A. GRCh37 (hg19) VCF-style: chr6-56380298-C-A.
Other names: c.12169G>T, p.Ala4057Ser (NM_001144769.5); c.11755G>T, p.Ala3919Ser (NM_001144770.2); c.18526G>T, p.Ala6176Ser (NM_001374722.1); c.17566G>T, p.Ala5856Ser (NM_001374729.1); c.11308G>T, p.Ala3770Ser (NM_001374730.1); c.18553G>T, p.Ala6185Ser (NM_001374734.1); c.11635G>T, p.Ala3879Ser (NM_001386100.1, NM_183380.4); c.10657G>T, p.Ala3553Ser (NM_015548.5); short protein forms A3553S, A3770S, A3919S, A5856S, A6185S, A3879S, A4057S, A6176S.
Identifiers: ClinVar variation 2931129 (VCV002931129.3), dbSNP rs540680338, ClinGen allele CA364502889.

ClinVar aggregate classification (germline): Uncertain significance (1 of 4 stars; one submission).

Conditions:
Hereditary sensory and autonomic neuropathy type 6. Also called: HSAN VI; Neuropathy, hereditary sensory and autonomic, type VI. Identifiers: Orphanet 314381, MedGen C3539003, MONDO:0013839, OMIM 614653.
Epidermolysis bullosa simplex 3, localized or generalized intermediate, with BP230 deficiency (EBS3). Also called: Epidermolysis bullosa simplex, autosomal recessive 2; Epidermolysis bullosa simplex due to BP230 deficiency. Identifiers: Orphanet 412181, MedGen C3809470, MONDO:0014180, OMIM 615425.

gnomAD v4.1: 1 of 1,613,816 alleles (0.000062%); highest among the groups gnomAD compares: East Asian, 0.0022%; no homozygotes.

Submission:

Labcorp Genetics (formerly Invitae), Labcorp
Classification: Uncertain significance for Epidermolysis bullosa simplex 3, localized or generalized intermediate, with BP230 deficiency; Hereditary sensory and autonomic neuropathy type 6. Last evaluated: 2023-12-31. Review status: criteria provided, single submitter. Criteria: Invitae Variant Classification Sherloc (09022015). Collection method: clinical testing. Allele origin: germline.
Comment: The DST gene has multiple clinically relevant transcripts. This variant occurs in alternate transcript NM_015548.4, and corresponds to NM_001723.5:c.*100017G>T in the primary transcript. This sequence change replaces alanine, which is neutral and non-polar, with serine, which is neutral and polar, at codon 3553 of the DST protein (p.Ala3553Ser). This variant is not present in population databases (gnomAD no frequency). This variant has not been reported in the literature in individuals affected with DST-related conditions. Experimental studies and prediction algorithms are not available or were not evaluated, and the functional significance of this variant is currently unknown. In summary, the available evidence is currently insufficient to determine the role of this variant in disease. Therefore, it has been classified as a Variant of Uncertain Significance.